The following is an entry in ClinVar:

NM_004415.4(DSP):c.8471_8483del (p.Gly2824fs)

Gene: DSP (desmoplakin; plus strand). Cytogenetic location: 6p24.3.
Variant type: Deletion.
Coding change: c.8471_8483del on transcript NM_004415.4 (MANE Select); coding-DNA positions 8471 to 8483, 13 bases deleted (GGTCCCGCTCCGG).
Protein change: p.Gly2824fs; shifts the reading frame from glycine 2824.
Molecular consequence: frameshift variant.
Genome position (GRCh38, 1-based): chr6:7,585,733-7,585,745, GGTCCCGCTCCGG deleted; deleting any 13 consecutive bases within chr6:7,585,726-7,585,745 gives the same sequence; the c. name uses the placement nearest the transcript's 3' end. VCF-style (leftmost placement, unchanged base first): chr6-7585725-GGCTCCGGGGTCCC-G. GRCh37 (hg19) VCF-style: chr6-7585958-GGCTCCGGGGTCCC-G.
Other names: c.6674_6686del, p.Gly2225fs (NM_001008844.3); c.7142_7154del, p.Gly2381fs (NM_001319034.2); c.8471_8483del13 (NM_004415.2); short protein forms G2225fs, G2381fs, G2824fs.
Identifiers: ClinVar variation 1019065 (VCV001019065.8), dbSNP rs1759642975, ClinGen allele CA1608615432.

ClinVar aggregate classification (germline): Uncertain significance. Review status: criteria provided, multiple submitters, no conflicts (2 of 4 stars). 2 submissions from 2 submitters: Uncertain significance (2). Last evaluated 2024-10-02.

Conditions:
Cardiovascular phenotype. Identifiers: MedGen CN230736.
Arrhythmogenic right ventricular dysplasia 8 (ARVD8). Also called: ARRHYTHMOGENIC RIGHT VENTRICULAR DYSPLASIA, FAMILIAL, 8; Arrhythmogenic Right Ventricular Dysplasia/Cardiomyopathy 8; ARRHYTHMOGENIC RIGHT VENTRICULAR CARDIOMYOPATHY 8. Identifiers: MedGen C1843896, MONDO:0011831, OMIM 607450.
Arrhythmogenic cardiomyopathy with wooly hair and keratoderma. Also called: Dilated cardiomyopathy with woolly hair and keratoderma; Carvajal syndrome; Arrhythmogenic cardiomyopathy with woolly hair and keratoderma; PALMOPLANTAR KERATODERMA WITH LEFT VENTRICULAR CARDIOMYOPATHY AND WOOLLY HAIR. Identifiers: Orphanet 65282, MedGen C1854063, MONDO:0011581, OMIM 605676.

Submissions (2):

Labcorp Genetics (formerly Invitae), Labcorp
Classification: Uncertain significance for Arrhythmogenic cardiomyopathy with wooly hair and keratoderma; Arrhythmogenic right ventricular dysplasia 8. Last evaluated: 2024-10-02. Review status: criteria provided, single submitter. Criteria: Invitae Variant Classification Sherloc (09022015). Collection method: clinical testing. Allele origin: germline.
Comment: This sequence change results in a frameshift in the DSP gene (p.Gly2824Alafs*55). While this is not anticipated to result in nonsense mediated decay, it is expected to disrupt the last 48 amino acid(s) of the DSP protein and extend the protein by 6 additional amino acid residues. This variant is not present in population databases (gnomAD no frequency). This variant has not been reported in the literature in individuals affected with DSP-related conditions. ClinVar contains an entry for this variant (Variation ID: 1019065). Experimental studies and prediction algorithms are not available or were not evaluated, and the functional significance of this variant is currently unknown. In summary, the available evidence is currently insufficient to determine the role of this variant in disease. Therefore, it has been classified as a Variant of Uncertain Significance.

Ambry Genetics
Classification: Uncertain significance for Cardiovascular phenotype. Last evaluated: 2024-04-10. Review status: criteria provided, single submitter. Criteria: Ambry Variant Classification Scheme 2023. Collection method: clinical testing. Allele origin: germline.
Comment: The c.8471_8483del13 variant, located in coding exon 24 of the DSP gene, results from a deletion of 13 nucleotides at nucleotide positions 8471 to 8483, causing a translational frameshift with a predicted alternate stop codon (p.G2824Afs*55). This alteration occurs at the 3' terminus of theDSP gene, is not expected to trigger nonsense-mediated mRNAdecay and results in the elongation of the protein by 6 amino acids. This frameshift impacts the last 1.7% of the native protein. The exact functional effect of the altered amino acids is unknown. This variant has been reported in individuals indicated as having arrhythmogenic cardiomyopathy, but clinical details were limited (Mazzaccara C et al. Biomolecules, 2022 Oct;12). Based on the available evidence, the clinical significance of this variant remains unclear.

Literature cited by the submitters: PubMed 36291626 (cited by Ambry Genetics).